The following is an entry in ClinVar:

ClinVar aggregate classification (germline): Uncertain significance (1 of 4 stars; one submission).

Allele frequency attached by ClinVar (database versions not stated): gnomAD exomes below 0.00001.
gnomAD v4.1: 1 of 1,613,922 alleles (0.000062%); highest among the groups gnomAD compares: Admixed American, 0.0017%; no homozygotes.

Submission:

Labcorp Genetics (formerly Invitae), Labcorp
Classification: Uncertain significance. Last evaluated: 2022-08-01. Review status: criteria provided, single submitter. Criteria: Invitae Variant Classification Sherloc (09022015). Collection method: clinical testing. Allele origin: germline.
Comment: Algorithms developed to predict the effect of missense changes on protein structure and function (SIFT, PolyPhen-2, Align-GVGD) all suggest that this variant is likely to be disruptive. This variant has not been reported in the literature in individuals affected with VCAN-related conditions. This variant is not present in population databases (gnomAD no frequency). This sequence change replaces glycine, which is neutral and non-polar, with aspartic acid, which is acidic and polar, at codon 1936 of the VCAN protein (p.Gly1936Asp). In summary, the available evidence is currently insufficient to determine the role of this variant in disease. Therefore, it has been classified as a Variant of Uncertain Significance.

NM_004385.5(VCAN):c.5807G>A (p.Gly1936Asp)

Genes: VCAN (versican; plus strand), VCAN-AS1 (VCAN antisense RNA 1; minus strand). Cytogenetic location: 5q14.3.
Variant type: single nucleotide variant.
Coding change: c.5807G>A on transcript NM_004385.5 (MANE Select); coding-DNA position 5807, G replaced by A.
Protein change: p.Gly1936Asp; replaces glycine 1936 with aspartic acid.
Molecular consequence: missense variant. On other transcripts: intron variant (2).
Genome position (GRCh38, 1-based): chr5:83,538,810, G>A. VCF-style: chr5-83538810-G-A. GRCh37 (hg19) VCF-style: chr5-82834629-G-A.
Other names: c.2846G>A, p.Gly949Asp (NM_001164097.2); c.4004-6727G>A (NM_001164098.2); c.1043-6727G>A (NM_001126336.3); short protein forms G949D, G1936D.
Identifiers: ClinVar variation 2119802 (VCV002119802.4), dbSNP rs2479110229, ClinGen allele CA360311196.
Genomic context (GRCh38, chr5:83,538,810, plus strand): 5'-ATTATGGGGCAGAAATAAGGGGCTTTTCCACAGGTTTTCCTTTGGAGGAAGATTTCAGTG[G>A]TGACTTTAGAGAATACTCAACAGTGTCTCATCCCATAGCAAAAGAAGAAACGGTAATGAT-3'
Protein context (NP_004376.2, residues 1926-1946): TGFPLEEDFS[Gly1936Asp]DFREYSTVSH